The following is an entry in ClinVar:

NM_004100.5(EYA4):c.557A>G (p.Gln186Arg)

Gene: EYA4 (EYA transcriptional coactivator and phosphatase 4; plus strand). Cytogenetic location: 6q23.2.
Variant type: single nucleotide variant.
Coding change: c.557A>G on transcript NM_004100.5 (MANE Select); coding-DNA position 557, A replaced by G.
Protein change: p.Gln186Arg; replaces glutamine 186 with arginine.
Molecular consequence: missense variant.
Genome position (GRCh38, 1-based): chr6:133,462,454, A>G. VCF-style: chr6-133462454-A-G. GRCh37 (hg19) VCF-style: chr6-133783592-A-G.
Other names: c.395A>G, p.Gln132Arg (NM_001301012.2, NM_001370459.1); c.557A>G, p.Gln186Arg (NM_001301013.2, NM_172105.4); c.488A>G, p.Gln163Arg (NM_001370458.1, NM_172103.4); c.557A>G (NM_004100.4); short protein forms Q132R, Q163R, Q186R.
Identifiers: ClinVar variation 1052410 (VCV001052410.11), dbSNP rs767996783, ClinGen allele CA4008090.

ClinVar aggregate classification (germline): Uncertain significance. Review status: criteria provided, multiple submitters, no conflicts (2 of 4 stars). 3 submissions from 3 submitters: Uncertain significance (3). Last evaluated 2026-01-12.

Conditions:
Cardiovascular phenotype. Identifiers: MedGen CN230736.
Dilated cardiomyopathy 1J (CMD1J). Also called: CARDIOMYOPATHY, DILATED, WITH SENSORINEURAL HEARING LOSS, AUTOSOMAL DOMINANT. Identifiers: Orphanet 217622, MedGen C1854368, MONDO:0011541, OMIM 605362.

Allele frequency attached by ClinVar (database versions not stated): gnomAD 0.00001; gnomAD exomes 0.00001; TOPMed 0.00001; ExAC 0.00002.
gnomAD v4.1: 7 of 1,613,964 alleles (0.00043%); highest among the groups gnomAD compares: Non-Finnish European, 0.00059%; no homozygotes.

Submissions (3):

Labcorp Genetics (formerly Invitae), Labcorp
Classification: Uncertain significance for Dilated cardiomyopathy 1J. Last evaluated: 2026-01-12. Review status: criteria provided, single submitter. Criteria: Invitae Variant Classification Sherloc (09022015). Collection method: clinical testing. Allele origin: germline.
Comment: This sequence change replaces glutamine, which is neutral and polar, with arginine, which is basic and polar, at codon 186 of the EYA4 protein (p.Gln186Arg). This variant is present in population databases (rs767996783, gnomAD 0.003%). This variant has not been reported in the literature in individuals affected with EYA4-related conditions. ClinVar contains an entry for this variant (Variation ID: 1052410). Invitae Evidence Modeling of protein sequence and biophysical properties (such as structural, functional, and spatial information, amino acid conservation, physicochemical variation, residue mobility, and thermodynamic stability) indicates that this missense variant is not expected to disrupt EYA4 protein function with a negative predictive value of 80%. In summary, the available evidence is currently insufficient to determine the role of this variant in disease. Therefore, it has been classified as a Variant of Uncertain Significance.

GeneDx
Classification: Uncertain significance. Last evaluated: 2023-04-14. Review status: criteria provided, single submitter. Criteria: GeneDx Variant Classification Process June 2021. Collection method: clinical testing. Allele origin: germline. Affected: yes.
Comment: Not observed at significant frequency in large population cohorts (gnomAD); In silico analysis supports that this missense variant does not alter protein structure/function; Has not been previously published as pathogenic or benign to our knowledge

Ambry Genetics
Classification: Uncertain significance for Cardiovascular phenotype. Last evaluated: 2022-11-10. Review status: criteria provided, single submitter. Criteria: Ambry Variant Classification Scheme 2023. Collection method: clinical testing. Allele origin: germline.
Comment: The p.Q186R variant (also known as c.557A>G), located in coding exon 7 of the EYA4 gene, results from an A to G substitution at nucleotide position 557. The glutamine at codon 186 is replaced by arginine, an amino acid with highly similar properties. This amino acid position is conserved. In addition, this alteration is predicted to be deleterious by in silico analysis. Since supporting evidence is limited at this time, the clinical significance of this alteration remains unclear.